The following is an entry in ClinVar:

ClinVar aggregate classification (germline): Pathogenic (1 of 4 stars; one submission).

Conditions:
Osteogenesis imperfecta type I (OI1). Also called: Lobstein disease; OI, TYPE I; OSTEOGENESIS IMPERFECTA TARDA; OSTEOGENESIS IMPERFECTA WITH BLUE SCLERAE; Osteogenesis imperfecta type 1; Lobstein's Disease. Identifiers: Orphanet 216796, Orphanet 666, MedGen C0023931, MONDO:0008146, OMIM 166200. Disease mechanism: loss of function.
Ehlers-Danlos syndrome, classic type, 1 (EDSCL1). Also called: EDS I; EHLERS-DANLOS SYNDROME, GRAVIS TYPE; EHLERS-DANLOS SYNDROME, SEVERE CLASSIC TYPE; Ehlers-Danlos syndrome, type 1; Ehlers-Danlos Syndrome, Classic Type, COL5A1-Related. Identifiers: MedGen C0268335, MONDO:0019567, OMIM 130000.

Submission:

Labcorp Genetics (formerly Invitae), Labcorp
Classification: Pathogenic for Osteogenesis imperfecta type I; Ehlers-Danlos syndrome, classic type, 1. Last evaluated: 2023-04-09. Review status: criteria provided, single submitter. Criteria: Invitae Variant Classification Sherloc (09022015). Collection method: clinical testing. Allele origin: germline.
Comment: This variant disrupts the triple helix domain of COL1A2. Glycine residues within the Gly-Xaa-Yaa repeats of the triple helix domain are required for the structure and stability of fibrillar collagens (PMID: 7695699, 8218237, 19344236). In COL1A2, variants affecting these glycine residues are significantly enriched in individuals with disease (PMID: 9016532, 17078022) compared to the general population (ExAC). For these reasons, this variant has been classified as Pathogenic. Experimental studies and prediction algorithms are not available or were not evaluated, and the functional significance of this variant is currently unknown. This missense change has been observed in individual(s) with autosomal dominant osteogenesis imperfecta, type IV (PMID: 25086671). This variant is not present in population databases (gnomAD no frequency). This sequence change replaces glycine, which is neutral and non-polar, with cysteine, which is neutral and slightly polar, at codon 313 of the COL1A2 protein (p.Gly313Cys).

Literature cited by the submitters: PubMed 7695699; PubMed 8218237; PubMed 19344236; PubMed 9016532; PubMed 17078022; PubMed 25086671.

NM_000089.4(COL1A2):c.937G>T (p.Gly313Cys)

Gene: COL1A2 (collagen type I alpha 2 chain; plus strand). Cytogenetic location: 7q21.3.
Variant type: single nucleotide variant.
Coding change: c.937G>T on transcript NM_000089.4 (MANE Select); coding-DNA position 937, G replaced by T.
Protein change: p.Gly313Cys; replaces glycine 313 with cysteine.
Molecular consequence: missense variant.
Genome position (GRCh38, 1-based): chr7:94,409,723, G>T. VCF-style: chr7-94409723-G-T. GRCh37 (hg19) VCF-style: chr7-94039035-G-T.
Other names: short protein forms G313C.
Identifiers: ClinVar variation 2925406 (VCV002925406.3), dbSNP rs2484708228, ClinGen allele CA368220832.